The following is an entry in ClinVar:

ClinVar aggregate classification (germline): Likely pathogenic (0 of 4 stars; one submission).

Conditions:
PCNT-related disorder. Also called: PCNT-related condition.

Submission:

PreventionGenetics, part of Exact Sciences
Classification: Likely pathogenic for PCNT-related condition. Last evaluated: 2024-02-14. Review status: no assertion criteria provided. Collection method: clinical testing. Allele origin: germline.
Comment: The PCNT c.7624_7631del8 variant is predicted to result in a frameshift and premature protein termination (p.Leu2542Glyfs*21). To our knowledge, this variant has not been reported in the literature or in a large population database, indicating this variant is rare. Frameshift variants in PCNT are expected to be pathogenic. This variant is interpreted as likely pathogenic.

NM_006031.6(PCNT):c.7624_7631del (p.Leu2542fs)

Gene: PCNT (pericentrin; plus strand). Cytogenetic location: 21q22.3.
Variant type: Deletion.
Coding change: c.7624_7631del on transcript NM_006031.6 (MANE Select); coding-DNA positions 7624 to 7631, 8 bases deleted (TTGCGCAC; older notation c.7624_7631delTTGCGCAC).
Protein change: p.Leu2542fs; shifts the reading frame from leucine 2542.
Molecular consequence: frameshift variant.
Genome position (GRCh38, 1-based): chr21:46,428,524-46,428,531, TTGCGCAC deleted; deleting any 8 consecutive bases within chr21:46,428,520-46,428,531 gives the same sequence; the c. name uses the placement nearest the transcript's 3' end. VCF-style (leftmost placement, unchanged base first): chr21-46428519-AGCACTTGC-A. GRCh37 (hg19) VCF-style: chr21-47848433-AGCACTTGC-A.
Other names: c.7270_7277del, p.Leu2424fs (NM_001315529.2); short protein forms L2424fs, L2542fs.
Identifiers: ClinVar variation 3061330 (VCV003061330.2), dbSNP rs2518971757, ClinGen allele CA2740094763.